The following is an entry in ClinVar:

ClinVar aggregate classification (germline): Uncertain significance (1 of 4 stars; one submission).

Conditions:
Inborn genetic diseases. Identifiers: MedGen C0950123, MeSH D030342.

Submission:

Ambry Genetics
Classification: Uncertain significance for Inborn genetic diseases. Last evaluated: 2023-06-30. Review status: criteria provided, single submitter. Criteria: Ambry Variant Classification Scheme 2023. Collection method: clinical testing. Allele origin: germline.
Comment: The p.F719L variant (also known as c.2157C>G), located in coding exon 13 of the EPAS1 gene, results from a C to G substitution at nucleotide position 2157. The phenylalanine at codon 719 is replaced by leucine, an amino acid with highly similar properties. This amino acid position is conserved. In addition, this alteration is predicted to be tolerated by in silico analysis. Since supporting evidence is limited at this time, the clinical significance of this alteration remains unclear.

NM_001430.5(EPAS1):c.2157C>G (p.Phe719Leu)

Gene: EPAS1 (endothelial PAS domain protein 1; plus strand). Cytogenetic location: 2p21.
Variant type: single nucleotide variant.
Coding change: c.2157C>G on transcript NM_001430.5 (MANE Select); coding-DNA position 2157, C replaced by G.
Protein change: p.Phe719Leu; replaces phenylalanine 719 with leucine.
Molecular consequence: missense variant.
Genome position (GRCh38, 1-based): chr2:46,381,707, C>G. VCF-style: chr2-46381707-C-G. GRCh37 (hg19) VCF-style: chr2-46608846-C-G.
Other names: short protein forms F719L.
Identifiers: ClinVar variation 2626640 (VCV002626640.2), dbSNP rs1476858551, ClinGen allele CA346705652.
Genomic context (GRCh38, chr2:46,381,707, plus strand): 5'-GGTAGCCCTCTCCAACAAGCTGAAGCTGAAGCGACAGCTGGAGTATGAAGAGCAAGCCTT[C>G]CAGGACCTGAGCGGGGTGAGTCATCCCCACTGGCCACAGGGGCCTCTCCATAGCCCTTAG-3'
Protein context (NP_001421.2, residues 709-729): KRQLEYEEQA[Phe719Leu]QDLSGGDPPG